The following is an entry in ClinVar:

NM_001165963.4(SCN1A):c.1193C>T (p.Thr398Met)

Gene: SCN1A (sodium voltage-gated channel alpha subunit 1; minus strand). Cytogenetic location: 2q24.3.
Variant type: single nucleotide variant.
Coding change: c.1193C>T on transcript NM_001165963.4 (MANE Select); coding-DNA position 1193, C replaced by T.
Protein change: p.Thr398Met; replaces threonine 398 with methionine.
Molecular consequence: missense variant. On other transcripts: 5 prime UTR variant (1), non-coding transcript variant (1).
Genome position (GRCh38, 1-based): chr2:166,046,954, G>A on the plus strand (C>T on the coding strand, the complement: SCN1A is on the minus strand). VCF-style: chr2-166046954-G-A. GRCh37 (hg19) VCF-style: chr2-166903464-G-A.
Other names: p.T398M:ACG>ATG; c.1193C>T, p.Thr398Met (NM_001165964.3, NM_001202435.3, NM_001353948.2 and 10 more transcripts); c.-1233C>T (NM_001353961.2); short protein forms T398M.
Identifiers: ClinVar variation 206762 (VCV000206762.23), dbSNP rs774937055, ClinGen allele CA317213.

ClinVar aggregate classification (germline): Conflicting classifications of pathogenicity. Review status: criteria provided, conflicting classifications (1 of 4 stars). 6 submissions from 5 submitters: Pathogenic (1); Uncertain significance (5). Last evaluated 2025-03-23.

Conditions:
Early-infantile DEE. Also called: Early infantile epileptic encephalopathy; Ohtahara syndrome; Early infantile epileptic encephalopathy with suppression bursts. Identifiers: Orphanet 1934, MedGen C0393706, MONDO:0800491.
Migraine, familial hemiplegic, 3. Identifiers: Orphanet 569, MedGen C1864987, MONDO:0012320, OMIM 609634.
Generalized epilepsy with febrile seizures plus, type 2 (GEFSP2). Also called: GEFS+, TYPE 2. Identifiers: Orphanet 36387, MedGen C1858673, MONDO:0011461, OMIM 604403.
Severe myoclonic epilepsy in infancy (DRVT). Also called: Epileptic encephalopathy, early infantile, 6 (Dravet syndrome); Dravet syndrome; SEVERE MYOCLONIC EPILEPSY OF INFANCY; DEVELOPMENTAL AND EPILEPTIC ENCEPHALOPATHY 6A; Severe Myoclonic Epilepsy in Infancy (SMEI). Identifiers: Orphanet 33069, MedGen C0751122, MONDO:0100135, OMIM 607208.

Allele frequency attached by ClinVar (database versions not stated): gnomAD 0.00001; TOPMed 0.00002.
gnomAD v4.1: 27 of 1,613,586 alleles (0.0017%); highest among the groups gnomAD compares: East Asian, 0.033%; no homozygotes.

Submissions (6):

Labcorp Genetics (formerly Invitae), Labcorp
Classification: Pathogenic for Early-infantile DEE. Last evaluated: 2025-03-23. Review status: criteria provided, single submitter. Criteria: Invitae Variant Classification Sherloc (09022015). Collection method: clinical testing. Allele origin: germline.
Comment: This sequence change replaces threonine, which is neutral and polar, with methionine, which is neutral and non-polar, at codon 398 of the SCN1A protein (p.Thr398Met). This variant is present in population databases (rs774937055, gnomAD 0.01%). This missense change has been observed in individuals with autosomal dominant genetic epilepsy with febrile seizures plus (PMID: 31875159, 34489640, 35663268, 36158059; internal data). ClinVar contains an entry for this variant (Variation ID: 206762). Invitae Evidence Modeling of protein sequence and biophysical properties (such as structural, functional, and spatial information, amino acid conservation, physicochemical variation, residue mobility, and thermodynamic stability) indicates that this missense variant is expected to disrupt SCN1A protein function with a positive predictive value of 95%. For these reasons, this variant has been classified as Pathogenic.

GeneDx
Classification: Uncertain significance. Last evaluated: 2024-12-19. Review status: criteria provided, single submitter. Criteria: GeneDx Variant Classification Process June 2021. Collection method: clinical testing. Allele origin: germline. Affected: yes.
Comment: In silico analysis supports that this missense variant has a deleterious effect on protein structure/function; This substitution is predicted to be within the extracellular loop between the S5 and S6 transmembrane segments of the first homologous domain; This variant is associated with the following publications: (PMID: 31875159, 36158059, 34489640, 35663268, 36979911)

3billion
Classification: Uncertain significance for Severe myoclonic epilepsy in infancy. Last evaluated: 2021-10-02. Review status: criteria provided, single submitter. Criteria: ACMG Guidelines, 2015. Collection method: clinical testing. Allele origin: unknown. Affected: yes. Observed: 1 heterozygote.
Comment: The missense variant is located in a mutational hot spot and/or well-established functional domain in which established pathogenic variants have been reported. It is observed at an extremely low frequency in the gnomAD v2.1.1 dataset (total allele frequency: 0.0000212) but it is observed in unaffected individuals (3billion dataset). Missense changes are a common disease-causing mechanism. In silico tool predictions suggest damaging effect of the variant on gene or gene product (REVEL: 0.706, 3Cnet: 0.910). Therefore, this variant is classified as uncertain significance according to the recommendation of ACMG/AMP guideline.

Illumina Laboratory Services, Illumina
Classification: Uncertain significance for Generalized epilepsy with febrile seizures plus, type 2. Last evaluated: 2017-04-27. Review status: criteria provided, single submitter. Criteria: ICSL Variant Classification Criteria 13 December 2019. Collection method: clinical testing. Allele origin: germline.

Illumina Laboratory Services, Illumina
Classification: Uncertain significance for Migraine, familial hemiplegic, 3. Last evaluated: 2017-04-27. Review status: criteria provided, single submitter. Criteria: ICSL Variant Classification Criteria 13 December 2019. Collection method: clinical testing. Allele origin: germline.

Neuberg Centre For Genomic Medicine, NCGM
Classification: Uncertain significance for Severe myoclonic epilepsy in infancy. Review status: criteria provided, single submitter. Criteria: ACMG Guidelines, 2015. Collection method: clinical testing. Allele origin: germline. Inheritance: Autosomal dominant inheritance. Affected: yes.
Comment: The missense variant c.1193C>T in SCN1A gene has not been reported previously as a pathogenic variant nor as a benign variant, to our knowledge. This (p.Thr398Met) variant is located in a mutational hot spot and/or well-established functional domain in which established pathogenic variants have been reported. The p.Thr398Met variant is novel (not in any individuals) in 1000 Genomes and has allele frequency of 0.002124% in gnomAD database. This variant has been reported to the ClinVar database as Likely Pathogenic; Variant of Uncertain Significance (VUS). The amino acid change p.Thr398Met in SCN1A is predicted as conserved by GERP++ and PhyloP across 100 vertebrates. The amino acid Thr at position 398 is changed to a Met changing protein sequence and it might alter its composition and physico-chemical properties. For these reasons, this variant has been classified as Variant of Uncertain Significance (VUS).

Literature cited by the submitters: PubMed 31875159 (cited by Labcorp Genetics (formerly Invitae), Labcorp); PubMed 34489640 (cited by Labcorp Genetics (formerly Invitae), Labcorp); PubMed 35663268 (cited by Labcorp Genetics (formerly Invitae), Labcorp); PubMed 36158059 (cited by Labcorp Genetics (formerly Invitae), Labcorp).